The following is an entry in ClinVar:

NM_178229.5(IQGAP3):c.3987C>T (p.Ile1329=)

Gene: IQGAP3 (IQ motif containing GTPase activating protein 3; minus strand). Cytogenetic location: 1q22.
Variant type: single nucleotide variant.
Coding change: c.3987C>T on transcript NM_178229.5 (MANE Select); coding-DNA position 3987, C replaced by T.
Protein change: p.Ile1329=; no amino-acid change (isoleucine 1329 retained).
Molecular consequence: synonymous variant.
Genome position (GRCh38, 1-based): chr1:156,533,096, G>A on the plus strand (C>T on the coding strand, the complement: IQGAP3 is on the minus strand). VCF-style: chr1-156533096-G-A. GRCh37 (hg19) VCF-style: chr1-156502888-G-A.
Identifiers: ClinVar variation 3034800 (VCV003034800.2), dbSNP rs139057334, ClinGen allele CA1160839.
Genomic context (GRCh38, chr1:156,533,096, plus strand): 5'-CTTGTTGGTCAGCGTCAGGGACACTTCTAGCTTGCTCAGGTCCGTGTGCCCATCTGCAGC[G>A]ATGCTCTCACCTGAGGTGTGGTGAGGAATGAGAGGGAGACAGGCATACACACACACATGC-3'
Protein context (NP_839943.3, residues 1319-1339): PTIPDLIGES[Ile1329=]AADGHTDLSK

ClinVar aggregate classification (germline): Likely benign (0 of 4 stars; one submission).

Conditions:
IQGAP3-related disorder. Also called: IQGAP3-related condition.

Allele frequency attached by ClinVar (database versions not stated): ExAC 0.00015; gnomAD 0.00026; TOPMed 0.00028; 1000 Genomes Project 30x 0.00031; ESP Exome Variant Server 0.00031; gnomAD exomes 0.00038; 1000 Genomes Project 0.00040.
gnomAD v4.1: 592 of 1,613,964 alleles (0.037%); highest among the groups gnomAD compares: Non-Finnish European, 0.047%; no homozygotes.

Submission:

PreventionGenetics, part of Exact Sciences
Classification: Likely benign for IQGAP3-related condition. Last evaluated: 2019-03-22. Review status: no assertion criteria provided. Collection method: clinical testing. Allele origin: germline.
Comment: This variant is classified as likely benign based on ACMG/AMP sequence variant interpretation guidelines (Richards et al. 2015 PMID: 25741868, with internal and published modifications).